The following is an entry in ClinVar:

NM_015178.3(RHOBTB2):c.590A>G (p.Lys197Arg)

Gene: RHOBTB2 (Rho related BTB domain containing 2; plus strand). Cytogenetic location: 8p21.3.
Variant type: single nucleotide variant.
Coding change: c.590A>G on transcript NM_015178.3 (MANE Select); coding-DNA position 590, A replaced by G.
Protein change: p.Lys197Arg; replaces lysine 197 with arginine.
Molecular consequence: missense variant.
Genome position (GRCh38, 1-based): chr8:23,006,835, A>G. VCF-style: chr8-23006835-A-G. GRCh37 (hg19) VCF-style: chr8-22864348-A-G.
Other names: c.656A>G, p.Lys219Arg (NM_001160036.2); c.611A>G, p.Lys204Arg (NM_001160037.2); c.590A>G, p.Lys197Arg (NM_001374791.1); c.656A>G (NM_001160036.1); short protein forms K197R, K204R, K219R.
Identifiers: ClinVar variation 1919756 (VCV001919756.6), dbSNP rs746365260, ClinGen allele CA4672486.

ClinVar aggregate classification (germline): Uncertain significance. Review status: criteria provided, multiple submitters, no conflicts (2 of 4 stars). 2 submissions from 2 submitters: Uncertain significance (2). Last evaluated 2025-07-30.

Conditions:
Inborn genetic diseases. Identifiers: MedGen C0950123, MeSH D030342.

Allele frequency attached by ClinVar (database versions not stated): gnomAD exomes below 0.00001; ExAC 0.00001; gnomAD 0.00001; TOPMed 0.00001.

Submissions (2):

Labcorp Genetics (formerly Invitae), Labcorp
Classification: Uncertain significance. Last evaluated: 2025-07-30. Review status: criteria provided, single submitter. Criteria: Invitae Variant Classification Sherloc (09022015). Collection method: clinical testing. Allele origin: germline.
Comment: This sequence change replaces lysine, which is basic and polar, with arginine, which is basic and polar, at codon 219 of the RHOBTB2 protein (p.Lys219Arg). This variant is present in population databases (rs746365260, gnomAD 0.002%). This variant has not been reported in the literature in individuals affected with RHOBTB2-related conditions. ClinVar contains an entry for this variant (Variation ID: 1919756). Invitae Evidence Modeling of protein sequence and biophysical properties (such as structural, functional, and spatial information, amino acid conservation, physicochemical variation, residue mobility, and thermodynamic stability) indicates that this missense variant is not expected to disrupt RHOBTB2 protein function with a negative predictive value of 80%. In summary, the available evidence is currently insufficient to determine the role of this variant in disease. Therefore, it has been classified as a Variant of Uncertain Significance.

Ambry Genetics
Classification: Uncertain significance for Inborn genetic diseases. Last evaluated: 2024-05-14. Review status: criteria provided, single submitter. Criteria: Ambry Variant Classification Scheme 2023. Collection method: clinical testing. Allele origin: germline.